The following is an entry in ClinVar:

NM_004329.3(BMPR1A):c.1161C>T (p.Phe387=)

Gene: BMPR1A (bone morphogenetic protein receptor type 1A; plus strand). Cytogenetic location: 10q23.2.
Variant type: single nucleotide variant.
Coding change: c.1161C>T on transcript NM_004329.3 (MANE Select); coding-DNA position 1161, C replaced by T.
Protein change: p.Phe387=; no amino-acid change (phenylalanine 387 retained).
Molecular consequence: synonymous variant. On other transcripts: non-coding transcript variant (3).
Genome position (GRCh38, 1-based): chr10:86,919,464, C>T. VCF-style: chr10-86919464-C-T. GRCh37 (hg19) VCF-style: chr10-88679221-C-T.
Other names: c.1236C>T, p.Phe412= (NM_001406559.1); c.1209C>T, p.Phe403= (NM_001406560.1); c.1161C>T, p.Phe387= (NM_001406561.1, NM_001406562.1, NM_001406563.1 and 19 more transcripts); c.1155C>T, p.Phe385= (NM_001406583.1); c.1077C>T, p.Phe359= (NM_001406584.1, NM_001406585.1, NM_001406586.1 and 2 more transcripts); c.819C>T, p.Phe273= (NM_001406589.1).
Identifiers: ClinVar variation 1736836 (VCV001736836.3), dbSNP rs2539624004, ClinGen allele CA470308195.

ClinVar aggregate classification (germline): Benign/Likely benign. Review status: criteria provided, multiple submitters, no conflicts (2 of 4 stars). 2 submissions from 2 submitters: Benign (1); Likely benign (1). Last evaluated 2024-08-06.

Conditions:
Hereditary cancer-predisposing syndrome. Also called: Neoplastic Syndromes, Hereditary; Tumor predisposition; Hereditary Cancer Syndrome; Hereditary neoplastic syndrome. Identifiers: Orphanet 140162, MedGen C0027672, MeSH D009386, MONDO:0015356.
Juvenile polyposis syndrome (JPS). Identifiers: Orphanet 2929, MedGen C0345893, MONDO:0017380, OMIM 174900.

Submissions (2):

Myriad Genetics, Inc.
Classification: Benign for Juvenile polyposis syndrome. Last evaluated: 2024-08-06. Review status: criteria provided, single submitter. Criteria: Myriad Autosomal Dominant, Autosomal Recessive and X-Linked Classification Criteria (2023). Collection method: clinical testing. Allele origin: unknown.
Comment: This variant is considered benign. This variant is a silent/synonymous amino acid change and it is not expected to impact splicing.

Ambry Genetics
Classification: Likely benign for Hereditary cancer-predisposing syndrome. Last evaluated: 2021-04-13. Review status: criteria provided, single submitter. Criteria: Ambry Variant Classification Scheme 2023. Collection method: clinical testing. Allele origin: germline.